The following is an entry in ClinVar:

NM_001378024.1(ARHGAP32):c.5451T>C (p.Leu1817=)

Gene: ARHGAP32 (Rho GTPase activating protein 32; minus strand). Cytogenetic location: 11q24.3.
Variant type: single nucleotide variant.
Coding change: c.5451T>C on transcript NM_001378024.1 (MANE Select); coding-DNA position 5451, T replaced by C.
Protein change: p.Leu1817=; no amino-acid change (leucine 1817 retained).
Molecular consequence: synonymous variant.
Genome position (GRCh38, 1-based): chr11:128,969,762, A>G on the plus strand (T>C on the coding strand, the complement: ARHGAP32 is on the minus strand). VCF-style: chr11-128969762-A-G. GRCh37 (hg19) VCF-style: chr11-128839657-A-G.
Other names: c.5409T>C, p.Leu1803= (NM_001142685.2); c.5289T>C, p.Leu1763= (NM_001378025.1); c.4362T>C, p.Leu1454= (NM_014715.4).
Identifiers: ClinVar variation 3038549 (VCV003038549.2), dbSNP rs141689602, ClinGen allele CA6358383.

ClinVar aggregate classification (germline): Benign (0 of 4 stars; one submission).

Conditions:
ARHGAP32-related disorder. Also called: ARHGAP32-related condition.

Allele frequency attached by ClinVar (database versions not stated): ESP Exome Variant Server 0.00023; TOPMed 0.00030; gnomAD 0.00051; gnomAD exomes 0.00087; 1000 Genomes Project 30x 0.00109; 1000 Genomes Project 0.00120; ExAC 0.00179.
gnomAD v4.1: 1,352 of 1,614,042 alleles (0.084%); highest among the groups gnomAD compares: South Asian, 1%; 26 homozygotes.

Submission:

PreventionGenetics, part of Exact Sciences
Classification: Benign for ARHGAP32-related condition. Last evaluated: 2019-05-24. Review status: no assertion criteria provided. Collection method: clinical testing. Allele origin: germline.
Comment: This variant is classified as benign based on ACMG/AMP sequence variant interpretation guidelines (Richards et al. 2015 PMID: 25741868, with internal and published modifications).